The following is an entry in ClinVar:

ClinVar aggregate classification (germline): Uncertain significance (1 of 4 stars; one submission).

Conditions:
Stormorken syndrome (STRMK). Also called: THROMBOCYTOPATHY, ASPLENIA, AND MIOSIS. Identifiers: Orphanet 3204, MedGen C1861451, MONDO:0008497, OMIM 185070.
Myopathy with tubular aggregates (TAM). Also called: Tubular Aggregate Myopathy. Identifiers: Orphanet 2593, MedGen C0410207, MONDO:0008051.
Combined immunodeficiency due to STIM1 deficiency. Also called: IMMUNODEFICIENCY 10; STIM1 DEFICIENCY. Identifiers: Orphanet 169090, Orphanet 317430, MedGen C2748557, MONDO:0013008, OMIM 612783.

Submission:

Labcorp Genetics (formerly Invitae), Labcorp
Classification: Uncertain significance for Myopathy with tubular aggregates; Combined immunodeficiency due to STIM1 deficiency; Stormorken syndrome. Last evaluated: 2022-09-04. Review status: criteria provided, single submitter. Criteria: Invitae Variant Classification Sherloc (09022015). Collection method: clinical testing. Allele origin: germline.
Comment: Variants that disrupt the consensus splice site are a relatively common cause of aberrant splicing (PMID: 17576681, 9536098). Algorithms developed to predict the effect of sequence changes on RNA splicing suggest that this variant is not likely to affect RNA splicing. This sequence change falls in intron 2 of the STIM1 gene. It does not directly change the encoded amino acid sequence of the STIM1 protein. It affects a nucleotide within the consensus splice site. This variant is not present in population databases (gnomAD no frequency). This variant has not been reported in the literature in individuals affected with STIM1-related conditions. In summary, the available evidence is currently insufficient to determine the role of this variant in disease. Therefore, it has been classified as a Variant of Uncertain Significance.

Literature cited by the submitters: PubMed 17576681; PubMed 9536098.

NM_001382567.1(STIM1):c.270+5G>T

Gene: STIM1 (stromal interaction molecule 1; plus strand). Cytogenetic location: 11p15.4.
Variant type: single nucleotide variant.
Coding change: c.270+5G>T on transcript NM_001382567.1 (MANE Select); 5 bases into the intron after coding-DNA position 270, G replaced by T.
Molecular consequence: intron variant.
Genome position (GRCh38, 1-based): chr11:3,967,687, G>T. VCF-style: chr11-3967687-G-T. GRCh37 (hg19) VCF-style: chr11-3988917-G-T.
Other names: c.48+5G>T (NM_001382578.1, NM_001382575.1, NM_001382576.1 and 5 more transcripts); c.-219-56186G>T (NM_001382580.1, NM_001382581.1); c.270+5G>T (NM_001382568.1, NM_001277962.2, NM_003156.4 and 3 more transcripts); c.136-56186G>T (NM_001382569.1); c.-98-56186G>T (NM_001382571.1).
Identifiers: ClinVar variation 1900224 (VCV001900224.5), dbSNP rs1439841622, ClinGen allele CA2518720931.